The following is an entry in ClinVar:

ClinVar aggregate classification (germline): Uncertain significance (1 of 4 stars; one submission).

Conditions:
DICER1-related tumor predisposition. Also called: DICER1 syndrome; DICER1-related pleuropulmonary blastoma cancer predisposition syndrome. Identifiers: Orphanet 284343, MedGen C3839822, MONDO:0100216.

Submission:

Labcorp Genetics (formerly Invitae), Labcorp
Classification: Uncertain significance for DICER1-related tumor predisposition. Last evaluated: 2025-08-04. Review status: criteria provided, single submitter. Criteria: Invitae Variant Classification Sherloc (09022015). Collection method: clinical testing. Allele origin: germline.
Comment: This sequence change falls in intron 3 of the DICER1 gene. It does not directly change the encoded amino acid sequence of the DICER1 protein. It affects a nucleotide within the consensus splice site. This variant is not present in population databases (gnomAD no frequency). This variant has not been reported in the literature in individuals affected with DICER1-related conditions. ClinVar contains an entry for this variant (Variation ID: 1361747). Variants that disrupt the consensus splice site are a relatively common cause of aberrant splicing (PMID: 17576681, 9536098). Algorithms developed to predict the effect of sequence changes on RNA splicing suggest that this variant may disrupt the consensus splice site. In summary, the available evidence is currently insufficient to determine the role of this variant in disease. Therefore, it has been classified as a Variant of Uncertain Significance.

Literature cited by the submitters: PubMed 17576681; PubMed 9536098.

NM_177438.3(DICER1):c.308-3T>G

Gene: DICER1 (dicer 1, ribonuclease III; minus strand). Cytogenetic location: 14q32.13.
Variant type: single nucleotide variant.
Coding change: c.308-3T>G on transcript NM_177438.3 (MANE Select); 3 bases into the intron before coding-DNA position 308, T replaced by G.
Molecular consequence: intron variant.
Genome position (GRCh38, 1-based): chr14:95,131,642, A>C on the plus strand (T>G on the coding strand, the complement: DICER1 is on the minus strand). VCF-style: chr14-95131642-A-C. GRCh37 (hg19) VCF-style: chr14-95597979-A-C.
Other names: c.308-3T>G (NM_001291628.2, NM_030621.4, NM_001271282.3 and 1 more transcripts).
Identifiers: ClinVar variation 1361747 (VCV001361747.7), dbSNP rs2140279930, ClinGen allele CA2573150333.